The following is an entry in ClinVar:

NM_001040108.2(MLH3):c.2857A>G (p.Thr953Ala)

Gene: MLH3 (mutL homolog 3; minus strand). Cytogenetic location: 14q24.3.
Variant type: single nucleotide variant.
Coding change: c.2857A>G on transcript NM_001040108.2 (MANE Select); coding-DNA position 2857, A replaced by G.
Protein change: p.Thr953Ala; replaces threonine 953 with alanine.
Molecular consequence: missense variant.
Genome position (GRCh38, 1-based): chr14:75,046,799, T>C on the plus strand (A>G on the coding strand, the complement: MLH3 is on the minus strand). VCF-style: chr14-75046799-T-C. GRCh37 (hg19) VCF-style: chr14-75513502-T-C.
Other names: c.2857A>G, p.Thr953Ala (NM_014381.3); short protein forms T953A.
Identifiers: ClinVar variation 3396676 (VCV003396676.1).

ClinVar aggregate classification (germline): Uncertain significance (1 of 4 stars; one submission).

gnomAD v4.1: 3 of 1,614,134 alleles (0.00019%); highest among the groups gnomAD compares: East Asian, 0.0045%; no homozygotes.

Submission:

Ambry Genetics
Classification: Uncertain significance. Last evaluated: 2024-08-01. Review status: criteria provided, single submitter. Criteria: Ambry Variant Classification Scheme 2023. Collection method: clinical testing. Allele origin: germline.
Comment: The p.T953A variant (also known as c.2857A>G), located in coding exon 1 of the MLH3 gene, results from an A to G substitution at nucleotide position 2857. The threonine at codon 953 is replaced by alanine, an amino acid with similar properties. This amino acid position is conserved. In addition, this alteration is predicted to be tolerated by in silico analysis. Based on the available evidence, the clinical significance of this variant remains unclear.